The following is an entry in ClinVar:

ClinVar aggregate classification (germline): Uncertain significance (1 of 4 stars; one submission).

Conditions:
Dilated cardiomyopathy 1DD (CMD1DD). Identifiers: Orphanet 154, MedGen C2750995, MONDO:0013168, OMIM 613172.

Allele frequency attached by ClinVar (database versions not stated): TOPMed below 0.00001.

Submission:

Labcorp Genetics (formerly Invitae), Labcorp
Classification: Uncertain significance for Dilated cardiomyopathy 1DD. Last evaluated: 2024-03-14. Review status: criteria provided, single submitter. Criteria: Invitae Variant Classification Sherloc (09022015). Collection method: clinical testing. Allele origin: germline.
Comment: This sequence change replaces alanine, which is neutral and non-polar, with threonine, which is neutral and polar, at codon 847 of the RBM20 protein (p.Ala847Thr). This variant is not present in population databases (gnomAD no frequency). This variant has not been reported in the literature in individuals affected with RBM20-related conditions. ClinVar contains an entry for this variant (Variation ID: 1001376). Advanced modeling of protein sequence and biophysical properties (such as structural, functional, and spatial information, amino acid conservation, physicochemical variation, residue mobility, and thermodynamic stability) performed at Invitae indicates that this missense variant is not expected to disrupt RBM20 protein function with a negative predictive value of 95%. In summary, the available evidence is currently insufficient to determine the role of this variant in disease. Therefore, it has been classified as a Variant of Uncertain Significance.

NM_001134363.3(RBM20):c.2539G>A (p.Ala847Thr)

Gene: RBM20 (RNA binding motif protein 20; plus strand). Cytogenetic location: 10q25.2.
Variant type: single nucleotide variant.
Coding change: c.2539G>A on transcript NM_001134363.3 (MANE Select); coding-DNA position 2539, G replaced by A.
Protein change: p.Ala847Thr; replaces alanine 847 with threonine.
Molecular consequence: missense variant.
Genome position (GRCh38, 1-based): chr10:110,812,936, G>A. VCF-style: chr10-110812936-G-A. GRCh37 (hg19) VCF-style: chr10-112572694-G-A.
Other names: short protein forms A847T.
Identifiers: ClinVar variation 1001376 (VCV001001376.8), dbSNP rs1844794627, ClinGen allele CA378374757.